The following is an entry in ClinVar:

ClinVar aggregate classification (germline): Uncertain significance (1 of 4 stars; one submission).

Conditions:
Fucosidosis. Also called: ALPHA-L-FUCOSIDASE DEFICIENCY. Identifiers: Orphanet 349, MedGen C0016788, MONDO:0009254, OMIM 230000.

Allele frequency attached by ClinVar (database versions not stated): TOPMed 0.00002.
gnomAD v4.1: 15 of 1,613,410 alleles (0.00093%); highest among the groups gnomAD compares: African/African-American, 0.0027%; no homozygotes.

Submission:

Labcorp Genetics (formerly Invitae), Labcorp
Classification: Uncertain significance for Fucosidosis. Last evaluated: 2022-06-22. Review status: criteria provided, single submitter. Criteria: Invitae Variant Classification Sherloc (09022015). Collection method: clinical testing. Allele origin: germline.
Comment: This sequence change affects codon 323 of the FUCA1 mRNA. It is a 'silent' change, meaning that it does not change the encoded amino acid sequence of the FUCA1 protein. This variant also falls at the last nucleotide of exon 5, which is part of the consensus splice site for this exon. This variant is present in population databases (no rsID available, gnomAD 0.0008%). This variant has not been reported in the literature in individuals affected with FUCA1-related conditions. Variants that disrupt the consensus splice site are a relatively common cause of aberrant splicing (PMID: 17576681, 9536098). Algorithms developed to predict the effect of sequence changes on RNA splicing suggest that this variant is not likely to affect RNA splicing. In summary, the available evidence is currently insufficient to determine the role of this variant in disease. Therefore, it has been classified as a Variant of Uncertain Significance.

Literature cited by the submitters: PubMed 17576681; PubMed 9536098.

NM_000147.5(FUCA1):c.969G>A (p.Ser323=)

Gene: FUCA1 (alpha-L-fucosidase 1; minus strand). Cytogenetic location: 1p36.11.
Variant type: single nucleotide variant.
Coding change: c.969G>A on transcript NM_000147.5 (MANE Select); coding-DNA position 969, G replaced by A.
Protein change: p.Ser323=; no amino-acid change (serine 323 retained).
Molecular consequence: synonymous variant. On other transcripts: non-coding transcript variant (4).
Genome position (GRCh38, 1-based): chr1:23,854,360, C>T on the plus strand (G>A on the coding strand, the complement: FUCA1 is on the minus strand). VCF-style: chr1-23854360-C-T. GRCh37 (hg19) VCF-style: chr1-24180850-C-T.
Identifiers: ClinVar variation 2142666 (VCV002142666.1), dbSNP rs759796952, ClinGen allele CA19327476.